The following is an entry in ClinVar:

NM_000059.4(BRCA2):c.3593dup (p.Asn1198fs)

Gene: BRCA2 (BRCA2 DNA repair associated; plus strand). Cytogenetic location: 13q13.1.
Variant type: Duplication.
Coding change: c.3593dup on transcript NM_000059.4 (MANE Select); coding-DNA position 3593, one base duplicated (A; older notation c.3593dupA).
Protein change: p.Asn1198fs; shifts the reading frame from asparagine 1198.
Molecular consequence: frameshift variant.
Genome position (GRCh38, 1-based): chr13:32,337,948, A duplicated; the last of 5 consecutive A bases (chr13:32,337,944-32,337,948); duplicating any one gives the same sequence. VCF-style (leftmost placement, unchanged base first): chr13-32337943-G-GA. GRCh37 (hg19) VCF-style: chr13-32912080-G-GA.
Other names: c.3593dupA (NM_000059.3); short protein forms N1198fs.
Identifiers: ClinVar variation 254518 (VCV000254518.6), dbSNP rs397507677, ClinGen allele CA280072.

ClinVar aggregate classification (germline): Pathogenic. Review status: reviewed by expert panel (3 of 4 stars). 4 submissions from 4 submitters: Pathogenic (1). 3 of the submissions do not count toward it. Last evaluated 2016-09-08.

Conditions:
Hereditary cancer-predisposing syndrome. Also called: Tumor predisposition; Hereditary Cancer Syndrome; Neoplastic Syndromes, Hereditary; Hereditary neoplastic syndrome. Identifiers: Orphanet 140162, MedGen C0027672, MeSH D009386, MONDO:0015356.
Hereditary breast ovarian cancer syndrome. Also called: Hereditary breast and ovarian cancer; Breast and ovarian cancer; Hereditary breast and/or ovarian cancer syndrome; BRCA1- and BRCA2-Associated Hereditary Breast and Ovarian Cancer; Hereditary breast and ovarian cancer syndrome; Hereditary breast and ovarian cancer syndrome (HBOC). Identifiers: Orphanet 145, MedGen C0677776, MeSH D061325, MONDO:0003582. Disease mechanism: loss of function.
Breast-ovarian cancer, familial, susceptibility to, 2 (BROVCA2). Also called: BRCA2 Hereditary Breast and Ovarian Cancer. Identifiers: Orphanet 145, MedGen C2675520, MONDO:0012933, OMIM 612555. Disease mechanism: loss of function.

Submissions (4):

Evidence-based Network for the Interpretation of Germline Mutant Alleles (ENIGMA)
Classification: Pathogenic for Breast-ovarian cancer, familial, susceptibility to, 2. Last evaluated: 2016-09-08. Review status: reviewed by expert panel. Criteria: ENIGMA BRCA1/2 Classification Criteria (2015). Collection method: curation. Allele origin: germline.
Comment: Variant allele predicted to encode a truncated non-functional protein.

Ambry Genetics
Classification: Pathogenic for Hereditary cancer-predisposing syndrome. Last evaluated: 2020-01-20. Review status: criteria provided, single submitter. Criteria: Ambry Variant Classification Scheme 2023. Collection method: clinical testing. Allele origin: germline. Not counted in ClinVar's aggregate classification.
Comment: The c.3593dupA pathogenic mutation, located in coding exon 10 of the BRCA2 gene, results from a duplication of A at nucleotide position 3593, causing a translational frameshift with a predicted alternate stop codon (p.N1198Kfs*2). This alteration is expected to result in loss of function by premature protein truncation or nonsense-mediated mRNA decay. As such, this alteration is interpreted as a disease-causing mutation.

Consortium of Investigators of Modifiers of BRCA1/2 (CIMBA), c/o University of Cambridge
Classification: Pathogenic for Breast-ovarian cancer, familial, susceptibility to, 2. Last evaluated: 2015-10-02. Review status: criteria provided, single submitter. Criteria: CIMBA Mutation Classification guidelines May 2016. Collection method: clinical testing. Allele origin: germline. Not counted in ClinVar's aggregate classification.

Curoverse
Classification: Pathogenic for BRCA1 and BRCA2 Hereditary Breast and Ovarian Cancer. Last evaluated: 2015-08-01. Review status: no assertion criteria provided. Collection method: research. Allele origin: germline. Affected: no. Observed: 1 variant allele. Not counted in ClinVar's aggregate classification.
Comment: Frameshifts in BRCA2 are considered pathogenic, and this is a BRCA2 Asn1198Lys frameshift variant in exon 11

Literature cited by the submitters: PMC 3583621 (cited by Curoverse); DOI 10.1001/jama.2011.678 (cited by Curoverse).